The following is an entry in ClinVar:

NM_002474.3(MYH11):c.5157T>C (p.Ser1719=)

Genes: MYH11 (myosin heavy chain 11; minus strand), NDE1 (nudE neurodevelopment protein 1; plus strand). Cytogenetic location: 16p13.11.
Variant type: single nucleotide variant.
Coding change: c.5157T>C on transcript NM_002474.3 (MANE Select); coding-DNA position 5157, T replaced by C.
Protein change: p.Ser1719=; no amino-acid change (serine 1719 retained).
Molecular consequence: synonymous variant. On other transcripts: intron variant (2).
Genome position (GRCh38, 1-based): chr16:15,719,234, A>G on the plus strand (T>C on the coding strand, the complement: MYH11 is on the minus strand). VCF-style: chr16-15719234-A-G. GRCh37 (hg19) VCF-style: chr16-15813091-A-G.
Other names: c.5178T>C, p.Ser1726= (NM_001040113.2, NM_001040114.2); c.5157T>C, p.Ser1719= (NM_022844.3); c.948-4957A>G (NM_001143979.2, NM_017668.3).
Identifiers: ClinVar variation 392064 (VCV000392064.6), dbSNP rs771625605, ClinGen allele CA7921406.

ClinVar aggregate classification (germline): Likely benign. Review status: criteria provided, multiple submitters, no conflicts (2 of 4 stars). 3 submissions from 3 submitters: Likely benign (3). Last evaluated 2023-10-04.

Conditions:
Familial thoracic aortic aneurysm and aortic dissection (TAAD). Also called: Thoracic aortic aneurysms and dissections. Identifiers: Orphanet 91387, MedGen C4707243, MONDO:0019625.
Aortic aneurysm, familial thoracic 4 (AAT4). Also called: AORTIC ANEURYSM/AORTIC DISSECTION AND PATENT DUCTUS ARTERIOSUS. Identifiers: MedGen C1851504, MONDO:0007568, OMIM 132900.

Allele frequency attached by ClinVar (database versions not stated): gnomAD exomes 0.00001; ExAC 0.00002.
gnomAD v4.1: 3 of 1,613,608 alleles (0.00019%); highest among the groups gnomAD compares: Non-Finnish European, 0.00025%; no homozygotes.

Submissions (3):

Labcorp Genetics (formerly Invitae), Labcorp
Classification: Likely benign for Aortic aneurysm, familial thoracic 4. Last evaluated: 2023-10-04. Review status: criteria provided, single submitter. Criteria: Invitae Variant Classification Sherloc (09022015). Collection method: clinical testing. Allele origin: germline.

Ambry Genetics
Classification: Likely benign for Familial thoracic aortic aneurysm and aortic dissection. Last evaluated: 2022-11-07. Review status: criteria provided, single submitter. Criteria: Ambry Variant Classification Scheme 2023. Collection method: clinical testing. Allele origin: germline.

GeneDx
Classification: Likely benign. Last evaluated: 2016-12-21. Review status: criteria provided, single submitter. Criteria: GeneDx Variant Classification (06012015). Collection method: clinical testing. Allele origin: germline. Affected: yes.
Comment: This variant is considered likely benign or benign based on one or more of the following criteria: it is a conservative change, it occurs at a poorly conserved position in the protein, it is predicted to be benign by multiple in silico algorithms, and/or has population frequency not consistent with disease.